The following is an entry in ClinVar:

NM_005505.5(SCARB1):c.1033C>A (p.Pro345Thr)

Gene: SCARB1 (scavenger receptor class B member 1; minus strand). Cytogenetic location: 12q24.31.
Variant type: single nucleotide variant.
Coding change: c.1033C>A on transcript NM_005505.5 (MANE Select); coding-DNA position 1033, C replaced by A.
Protein change: p.Pro345Thr; replaces proline 345 with threonine.
Molecular consequence: missense variant. On other transcripts: non-coding transcript variant (6), intron variant (2).
Genome position (GRCh38, 1-based): chr12:124,800,219, G>T on the plus strand (C>A on the coding strand, the complement: SCARB1 is on the minus strand). VCF-style: chr12-124800219-G-T. GRCh37 (hg19) VCF-style: chr12-125284765-G-T.
Other names: p.Pro345Thr; c.1033C>A, p.Pro345Thr (NM_001082959.2, NM_001367981.1, NM_001367983.1 and 3 more transcripts); c.910C>A, p.Pro304Thr (NM_001367982.1); c.1009C>A, p.Pro337Thr (NM_001367985.1); c.727-4951C>A (NM_001367988.1); c.1004+7547C>A (NM_001367987.1); short protein forms P304T, P337T, P345T.
Identifiers: ClinVar variation 1341573 (VCV001341573.2), dbSNP rs2135596186, ClinGen allele CA387213630.
Genomic context (GRCh38, chr12:124,800,219, plus strand): 5'-GGTTAGGGTGCAGGCCAGTCACCGCTTCTGCCAGAACCGGGTCAGCGTTGAGGAAGTGAG[G>T]ATGGGAGAGAAACAAGGGGGCACCTAGAAGAGGGGCAGGGAGGGGACATCAGACAAGGAC-3'
Protein context (NP_005496.4, residues 335-355): RFSAPLFLSH[Pro345Thr]HFLNADPVLA

ClinVar aggregate classification (germline): Uncertain significance (1 of 4 stars; one submission).

Conditions:
HIGH DENSITY LIPOPROTEIN CHOLESTEROL LEVEL QUANTITATIVE TRAIT LOCUS 6 (HDLCQ6). Identifiers: MedGen C1853096, OMIM 610762.

Submission:

Laboratory of Inherited Metabolic Diseases, Research centre for medical genetics
Classification: Uncertain significance for HIGH DENSITY LIPOPROTEIN CHOLESTEROL LEVEL QUANTITATIVE TRAIT LOCUS 6. Last evaluated: 2022-01-14. Review status: criteria provided, single submitter. Criteria: ACMG Guidelines, 2015. Collection method: clinical testing. Allele origin: unknown. Inheritance: Codominant. Affected: yes.
Comment: Found in heterozygous state.